The following is an entry in ClinVar:

ClinVar aggregate classification (germline): Uncertain significance (1 of 4 stars; one submission).

Conditions:
Immunodeficiency 92. Identifiers: Orphanet 697394, MedGen C5562039, MONDO:0030498, OMIM 619652.

Submission:

Foundation for Research in Genetics and Endocrinology, FRIGE's Institute of Human Genetics
Classification: Uncertain significance for Immunodeficiency 92. Last evaluated: 2024-07-23. Review status: criteria provided, single submitter. Criteria: ACMG Guidelines, 2015. Collection method: clinical testing. Allele origin: germline. Inheritance: Autosomal recessive inheritance. Affected: yes. Observed: 1 homozygote.
Comment: A homozygous missense variant in exon 7 of the REL gene that results in the amino acid substitution of Serine for Phenylalanine at codon 220 was detected. The p.Phe220Ser variant has not been reported in the 1000 genomes, gnomAD (v3.1), gnomAD (v2.1), topmed and in our internal databases. The in silico predictions# of the variant are possibly damaging by PolyPhen-2 and damaging by SIFT, LRT and MutationTaster2. The reference codon is conserved across species. In summary, the variant meets our criteria to be classified as variant of uncertain significance.

NM_001291746.2(REL):c.659T>C (p.Phe220Ser)

Gene: REL (REL proto-oncogene, NF-kB subunit; plus strand). Cytogenetic location: 2p16.1.
Variant type: single nucleotide variant.
Coding change: c.659T>C on transcript NM_001291746.2 (MANE Select); coding-DNA position 659, T replaced by C.
Protein change: p.Phe220Ser; replaces phenylalanine 220 with serine.
Molecular consequence: missense variant.
Genome position (GRCh38, 1-based): chr2:60,918,412, T>C. VCF-style: chr2-60918412-T-C. GRCh37 (hg19) VCF-style: chr2-61145547-T-C.
Other names: p.Phe220Ser; c.659T>C, p.Phe220Ser (NM_002908.4); short protein forms F220S.
Identifiers: ClinVar variation 3256112 (VCV003256112.2).